The following is an entry in ClinVar:

NM_003737.4(DCHS1):c.4899G>C (p.Gln1633His)

Gene: DCHS1 (dachsous cadherin-related 1; minus strand). Cytogenetic location: 11p15.4.
Variant type: single nucleotide variant.
Coding change: c.4899G>C on transcript NM_003737.4 (MANE Select); coding-DNA position 4899, G replaced by C.
Protein change: p.Gln1633His; replaces glutamine 1633 with histidine.
Molecular consequence: missense variant.
Genome position (GRCh38, 1-based): chr11:6,629,808, C>G on the plus strand (G>C on the coding strand, the complement: DCHS1 is on the minus strand). VCF-style: chr11-6629808-C-G. GRCh37 (hg19) VCF-style: chr11-6651039-C-G.
Other names: short protein forms Q1633H.
Identifiers: ClinVar variation 2792897 (VCV002792897.3), dbSNP rs1855870496, ClinGen allele CA379398623.

ClinVar aggregate classification (germline): Uncertain significance (1 of 4 stars; one submission).

Allele frequency attached by ClinVar (database versions not stated): gnomAD 0.00001.
gnomAD v4.1: 4 of 1,613,322 alleles (0.00025%); highest among the groups gnomAD compares: Non-Finnish European, 0.00034%; no homozygotes.

Submission:

Labcorp Genetics (formerly Invitae), Labcorp
Classification: Uncertain significance. Last evaluated: 2023-04-03. Review status: criteria provided, single submitter. Criteria: Invitae Variant Classification Sherloc (09022015). Collection method: clinical testing. Allele origin: germline.
Comment: In summary, the available evidence is currently insufficient to determine the role of this variant in disease. Therefore, it has been classified as a Variant of Uncertain Significance. Advanced modeling of protein sequence and biophysical properties (such as structural, functional, and spatial information, amino acid conservation, physicochemical variation, residue mobility, and thermodynamic stability) performed at Invitae indicates that this missense variant is not expected to disrupt DCHS1 protein function. This variant has not been reported in the literature in individuals affected with DCHS1-related conditions. This variant is not present in population databases (gnomAD no frequency). This sequence change replaces glutamine, which is neutral and polar, with histidine, which is basic and polar, at codon 1633 of the DCHS1 protein (p.Gln1633His).